The following is an entry in ClinVar:

ClinVar aggregate classification (germline): Uncertain significance. Review status: criteria provided, multiple submitters, no conflicts (2 of 4 stars). 2 submissions from 2 submitters: Uncertain significance (2). Last evaluated 2025-08-02.

Conditions:
Hereditary breast ovarian cancer syndrome. Also called: Hereditary breast and ovarian cancer syndrome; BRCA1- and BRCA2-Associated Hereditary Breast and Ovarian Cancer; Hereditary breast and ovarian cancer; Hereditary breast and ovarian cancer syndrome (HBOC); Breast and ovarian cancer; Hereditary breast and/or ovarian cancer syndrome. Identifiers: Orphanet 145, MedGen C0677776, MeSH D061325, MONDO:0003582. Disease mechanism: loss of function.
Hereditary cancer-predisposing syndrome. Also called: Hereditary neoplastic syndrome; Neoplastic Syndromes, Hereditary; Tumor predisposition; Hereditary Cancer Syndrome. Identifiers: Orphanet 140162, MedGen C0027672, MeSH D009386, MONDO:0015356.

Submissions (2):

Labcorp Genetics (formerly Invitae), Labcorp
Classification: Uncertain significance for Hereditary breast ovarian cancer syndrome. Last evaluated: 2025-08-02. Review status: criteria provided, single submitter. Criteria: Invitae Variant Classification Sherloc (09022015). Collection method: clinical testing. Allele origin: germline.
Comment: This sequence change replaces lysine, which is basic and polar, with asparagine, which is neutral and polar, at codon 996 of the BRCA1 protein (p.Lys996Asn). This variant is not present in population databases (gnomAD no frequency). This variant has not been reported in the literature in individuals affected with BRCA1-related conditions. ClinVar contains an entry for this variant (Variation ID: 3825305). Invitae Evidence Modeling of protein sequence and biophysical properties (such as structural, functional, and spatial information, amino acid conservation, physicochemical variation, residue mobility, and thermodynamic stability) indicates that this missense variant is not expected to disrupt BRCA1 protein function with a negative predictive value of 80%. In summary, the available evidence is currently insufficient to determine the role of this variant in disease. Therefore, it has been classified as a Variant of Uncertain Significance.

Ambry Genetics
Classification: Uncertain significance for Hereditary cancer-predisposing syndrome. Last evaluated: 2025-02-05. Review status: criteria provided, single submitter. Criteria: Ambry Variant Classification Scheme 2023. Collection method: clinical testing. Allele origin: germline.
Comment: The p.K996N variant (also known as c.2988A>C), located in coding exon 9 of the BRCA1 gene, results from an A to C substitution at nucleotide position 2988. The lysine at codon 996 is replaced by asparagine, an amino acid with similar properties. This amino acid position is not well conserved in available vertebrate species. In addition, this alteration is predicted to be tolerated by in silico analysis. Based on the available evidence, the clinical significance of this variant remains unclear.

NM_007294.4(BRCA1):c.2988A>C (p.Lys996Asn)

Gene: BRCA1 (BRCA1 DNA repair associated; minus strand). Cytogenetic location: 17q21.31.
Variant type: single nucleotide variant.
Coding change: c.2988A>C on transcript NM_007294.4 (MANE Select); coding-DNA position 2988, A replaced by C.
Protein change: p.Lys996Asn; replaces lysine 996 with asparagine.
Molecular consequence: missense variant. On other transcripts: intron variant (137).
Genome position (GRCh38, 1-based): chr17:43,092,543, T>G on the plus strand (A>C on the coding strand, the complement: BRCA1 is on the minus strand). VCF-style: chr17-43092543-T-G. GRCh37 (hg19) VCF-style: chr17-41244560-T-G.
Other names: c.2844A>C, p.Lys948Asn (NM_001407844.1, NM_001407845.1, NM_001407846.1 and 20 more transcripts); c.2847A>C, p.Lys949Asn (NM_001407850.1, NM_001407851.1, NM_001407852.1 and 29 more transcripts); c.2985A>C, p.Lys995Asn (NM_001407860.1, NM_001407861.1, NM_001407587.1 and 22 more transcripts); c.2775A>C, p.Lys925Asn (NM_001407853.1, NM_001407894.1, NM_001407895.1 and 9 more transcripts); c.2988A>C, p.Lys996Asn (NM_001407858.1, NM_001407854.1, NM_001407859.1 and 30 more transcripts); c.2910A>C, p.Lys970Asn (NM_001407656.1, NM_001407657.1, NM_001407658.1 and 4 more transcripts); c.2907A>C, p.Lys969Asn (NM_001407659.1, NM_001407660.1, NM_001407661.1 and 1 more transcripts); c.2865A>C, p.Lys955Asn (NM_001407664.1, NM_001407665.1, NM_001407666.1 and 19 more transcripts); and 41 more; short protein forms K828N, K869N, K925N, K929N, K954N, K996N, K907N, K908N.
Identifiers: ClinVar variation 3825305 (VCV003825305.2).